The following is an entry in ClinVar:

ClinVar aggregate classification (germline): Uncertain significance. Review status: criteria provided, multiple submitters, no conflicts (2 of 4 stars). 2 submissions from 2 submitters: Uncertain significance (2). Last evaluated 2025-08-25.

Conditions:
Inborn genetic diseases. Identifiers: MedGen C0950123, MeSH D030342.

Allele frequency attached by ClinVar (database versions not stated): gnomAD 0.00001.
gnomAD v4.1: 5 of 1,601,006 alleles (0.00031%); highest among the groups gnomAD compares: Non-Finnish European, 0.00025%; no homozygotes.

Submissions (2):

Ambry Genetics
Classification: Uncertain significance for Inborn genetic diseases. Last evaluated: 2025-08-25. Review status: criteria provided, single submitter. Criteria: Ambry Variant Classification Scheme 2023. Collection method: clinical testing. Allele origin: germline.

Labcorp Genetics (formerly Invitae), Labcorp
Classification: Uncertain significance. Last evaluated: 2023-03-20. Review status: criteria provided, single submitter. Criteria: Invitae Variant Classification Sherloc (09022015). Collection method: clinical testing. Allele origin: germline.
Comment: This variant has not been reported in the literature in individuals affected with ZIC1-related conditions. Advanced modeling of protein sequence and biophysical properties (such as structural, functional, and spatial information, amino acid conservation, physicochemical variation, residue mobility, and thermodynamic stability) performed at Invitae indicates that this missense variant is not expected to disrupt ZIC1 protein function. In summary, the available evidence is currently insufficient to determine the role of this variant in disease. Therefore, it has been classified as a Variant of Uncertain Significance. The frequency data for this variant in the population databases is considered unreliable, as metrics indicate poor data quality at this position in the gnomAD database. This sequence change replaces alanine, which is neutral and non-polar, with serine, which is neutral and polar, at codon 46 of the ZIC1 protein (p.Ala46Ser).

NM_003412.4(ZIC1):c.136G>T (p.Ala46Ser)

Gene: ZIC1 (Zic family zinc finger 1; plus strand). Cytogenetic location: 3q24.
Variant type: single nucleotide variant.
Coding change: c.136G>T on transcript NM_003412.4 (MANE Select); coding-DNA position 136, G replaced by T.
Protein change: p.Ala46Ser; replaces alanine 46 with serine.
Molecular consequence: missense variant.
Genome position (GRCh38, 1-based): chr3:147,410,248, G>T. VCF-style: chr3-147410248-G-T. GRCh37 (hg19) VCF-style: chr3-147128035-G-T.
Other names: c.136G>T (NM_003412.3); short protein forms A46S.
Identifiers: ClinVar variation 2982747 (VCV002982747.4), dbSNP rs1433532217, ClinGen allele CA354895992.